The following is an entry in ClinVar:

NM_001145809.2(MYH14):c.5851G>T (p.Ala1951Ser)

Gene: MYH14 (myosin heavy chain 14; plus strand). Cytogenetic location: 19q13.33.
Variant type: single nucleotide variant.
Coding change: c.5851G>T on transcript NM_001145809.2 (MANE Select); coding-DNA position 5851, G replaced by T.
Protein change: p.Ala1951Ser; replaces alanine 1951 with serine.
Molecular consequence: missense variant.
Genome position (GRCh38, 1-based): chr19:50,309,068, G>T. VCF-style: chr19-50309068-G-T. GRCh37 (hg19) VCF-style: chr19-50812325-G-T.
Other names: c.5752G>T, p.Ala1918Ser (NM_001077186.2); c.5728G>T, p.Ala1910Ser (NM_024729.4); short protein forms A1918S, A1910S, A1951S.
Identifiers: ClinVar variation 5006028 (VCV005006028.2).

ClinVar aggregate classification (germline): Uncertain significance (1 of 4 stars; one submission).

Conditions:
Peripheral neuropathy-myopathy-hoarseness-hearing loss syndrome. Identifiers: Orphanet 397744, MedGen C3280556, MONDO:0013711, OMIM 614369.
Autosomal dominant nonsyndromic hearing loss 4A. Also called: Deafness, autosomal dominant 4A. Identifiers: Orphanet 90635, MedGen C1833503, MONDO:0010915, OMIM 600652.

Submission:

Juno Genomics, Hangzhou Juno Genomics, Inc
Classification: Uncertain significance for Peripheral neuropathy-myopathy-hoarseness-hearing loss syndrome; Autosomal dominant nonsyndromic hearing loss 4A. Review status: criteria provided, single submitter. Criteria: ACMG Guidelines, 2015. Collection method: clinical testing. Allele origin: germline.
Comment: Absent from controls (or at extremely low frequency if recessive) in Genome Aggregation Database.